The following is an entry in ClinVar:

ClinVar aggregate classification (germline): Pathogenic (1 of 4 stars; one submission).

Conditions:
Familial hypocalciuric hypercalcemia (FHH). Also called: Familial benign hypercalcemia. Identifiers: Orphanet 405, MedGen C1809471, MONDO:0018458.
Autosomal dominant hypocalcemia 1 (HYPOC1). Also called: HYPOCALCEMIA, FAMILIAL. Identifiers: MedGen C3715128, MONDO:0011013, OMIM 601198.

Submission:

Labcorp Genetics (formerly Invitae), Labcorp
Classification: Pathogenic for Familial hypocalciuric hypercalcemia; Autosomal dominant hypocalcemia 1. Last evaluated: 2018-06-13. Review status: criteria provided, single submitter. Criteria: Invitae Variant Classification Sherloc (09022015). Collection method: clinical testing. Allele origin: germline.
Comment: This sequence change creates a premature translational stop signal (p.Arg66_Gly67insPhe) in the CASR gene. It is expected to result in an absent or disrupted protein product. For these reasons, this variant has been classified as Pathogenic. Loss-of-function variants in CASR are known to be pathogenic (PMID: 22422767). This variant has not been reported in the literature in individuals with CASR-related disease. This variant is not present in population databases (ExAC no frequency).

Literature cited by the submitters: PubMed 22422767.

NM_000388.4(CASR):c.199delinsTTCGCT (p.Gly67fs)

Gene: CASR (calcium sensing receptor; plus strand). Cytogenetic location: 3q21.1.
Variant type: Indel.
Coding change: c.199delinsTTCGCT on transcript NM_000388.4 (MANE Select); coding-DNA position 199, G replaced by TTCGCT.
Protein change: p.Gly67fs; shifts the reading frame from glycine 67.
Molecular consequence: frameshift variant.
Genome position (GRCh38, 1-based): chr3:122,257,094, G replaced by TTCGCT. VCF-style: chr3-122257094-G-TTCGCT. GRCh37 (hg19) VCF-style: chr3-121975941-G-TTCGCT.
Other names: c.199delinsTTCGCT, p.Gly67fs (NM_001178065.2); short protein forms G67fs.
Identifiers: ClinVar variation 574086 (VCV000574086.6), dbSNP rs1559956508, ClinGen allele CA891842856.